The following is an entry in ClinVar:

ClinVar aggregate classification (germline): Pathogenic (1 of 4 stars; one submission).

Conditions:
Catecholaminergic polymorphic ventricular tachycardia 1. Also called: VENTRICULAR TACHYCARDIA, STRESS-INDUCED POLYMORPHIC 1; RYR2-Related Catecholaminergic Polymorphic Ventricular Tachycardia; VENTRICULAR TACHYCARDIA, CATECHOLAMINERGIC POLYMORPHIC, 1, WITH OR WITHOUT ATRIAL DYSFUNCTION AND/OR DILATED CARDIOMYOPATHY. Identifiers: Orphanet 3286, MedGen C1631597, MONDO:0011484, OMIM 604772.

Submission:

Labcorp Genetics (formerly Invitae), Labcorp
Classification: Pathogenic for Catecholaminergic polymorphic ventricular tachycardia 1. Last evaluated: 2025-06-17. Review status: criteria provided, single submitter. Criteria: Invitae Variant Classification Sherloc (09022015). Collection method: clinical testing. Allele origin: germline.
Comment: This sequence change creates a premature translational stop signal (p.Trp318*) in the CASQ2 gene. It is expected to result in an absent or disrupted protein product. Loss-of-function variants in CASQ2 are known to be pathogenic (PMID: 12386154). This variant is not present in population databases (gnomAD no frequency). This variant has not been reported in the literature in individuals affected with CASQ2-related conditions. For these reasons, this variant has been classified as Pathogenic.

Literature cited by the submitters: PubMed 12386154.

NM_001232.4(CASQ2):c.954G>A (p.Trp318Ter)

Gene: CASQ2 (calsequestrin 2; minus strand). Cytogenetic location: 1p13.1.
Variant type: single nucleotide variant.
Coding change: c.954G>A on transcript NM_001232.4 (MANE Select); coding-DNA position 954, G replaced by A.
Protein change: p.Trp318Ter; replaces tryptophan 318 with a stop codon.
Molecular consequence: nonsense.
Genome position (GRCh38, 1-based): chr1:115,702,981, C>T on the plus strand (G>A on the coding strand, the complement: CASQ2 is on the minus strand). VCF-style: chr1-115702981-C-T. GRCh37 (hg19) VCF-style: chr1-116245602-C-T.
Other names: short protein forms W318*.
Identifiers: ClinVar variation 4798117 (VCV004798117.1).